The following is an entry in ClinVar:

ClinVar aggregate classification (germline): Uncertain significance (1 of 4 stars; one submission).

Conditions:
Hereditary cancer-predisposing syndrome. Also called: Hereditary Cancer Syndrome; Tumor predisposition; Hereditary neoplastic syndrome; Neoplastic Syndromes, Hereditary. Identifiers: Orphanet 140162, MedGen C0027672, MeSH D009386, MONDO:0015356.

Submission:

Ambry Genetics
Classification: Uncertain significance for Hereditary cancer-predisposing syndrome. Last evaluated: 2024-05-07. Review status: criteria provided, single submitter. Criteria: Ambry Variant Classification Scheme 2023. Collection method: clinical testing. Allele origin: germline.
Comment: The c.1474-19A>G intronic variant results from an A to G substitution 19 nucleotides upstream from coding exon 10 in the BRIP1 gene. This nucleotide position is highly conserved in available vertebrate species. In silico splice site analysis predicts that this alteration may weaken the native splice acceptor site; however, direct evidence is insufficient at this time (Ambry internal data). Based on the available evidence, the clinical significance of this variant remains unclear.

NM_032043.3(BRIP1):c.1474-19A>G

Gene: BRIP1 (BRCA1 interacting DNA helicase 1; minus strand). Cytogenetic location: 17q23.2.
Variant type: single nucleotide variant.
Coding change: c.1474-19A>G on transcript NM_032043.3 (MANE Select); 19 bases into the intron before coding-DNA position 1474, A replaced by G.
Molecular consequence: intron variant.
Genome position (GRCh38, 1-based): chr17:61,784,443, T>C on the plus strand (A>G on the coding strand, the complement: BRIP1 is on the minus strand). VCF-style: chr17-61784443-T-C. GRCh37 (hg19) VCF-style: chr17-59861804-T-C.
Identifiers: ClinVar variation 3261805 (VCV003261805.1).
Genomic context (GRCh38, chr17:61,784,443, plus strand): 5'-TGAGATTTTTTCCTCTTTTTGAAGAACAGCAGAAAAATGTCCCTATAAGAAATTACCATA[T>C]TAAGTATAGAGGGGTTGGGAGGGAATTGGAAAAAGAAACTTCTCAAAAATACAATGAAAC-3'